The following is an entry in ClinVar:

ClinVar aggregate classification (germline): Uncertain significance (1 of 4 stars; one submission).

Conditions:
Dyskeratosis congenita, autosomal dominant 1 (DKCA1). Also called: Dyskeratosis congenita Scoggins type. Identifiers: Orphanet 1775, MedGen C4551974, MONDO:0007485, OMIM 127550. Inheritance: Variable.

Submission:

Labcorp Genetics (formerly Invitae), Labcorp
Classification: Uncertain significance for Dyskeratosis congenita, autosomal dominant 1. Last evaluated: 2021-10-11. Review status: criteria provided, single submitter. Criteria: Invitae Variant Classification Sherloc (09022015). Collection method: clinical testing. Allele origin: germline.
Comment: This variant occurs in the TERC gene, which encodes an RNA molecule that does not result in a protein product. In summary, the available evidence is currently insufficient to determine the role of this variant in disease. Therefore, it has been classified as a Variant of Uncertain Significance. This variant is located within the conserved regions 4 and 5 (CR4-CR5) domain of the TERC RNA component, which is required for telomerase activity (PMID: 15082312, 21844345). This variant has not been reported in the literature in individuals affected with TERC-related conditions. The frequency data for this variant in the population databases is considered unreliable, as metrics indicate insufficient coverage at this position in the ExAC database.

Literature cited by the submitters: PubMed 15082312; PubMed 21844345.

NC_000003.12:g.169764810C>T

Genes: TERC (telomerase RNA component; minus strand), LOC110806306 (telomerase RNA component (TERC) promoter; plus strand). Cytogenetic location: 3q26.2.
Variant type: single nucleotide variant.
Genome position: GRCh38 VCF-style: chr3-169764810-C-T. GRCh37 (hg19) VCF-style: chr3-169482598-C-T.
Identifiers: ClinVar variation 1350983 (VCV001350983.6), dbSNP rs2108183025, ClinGen allele CA436715275.
Genomic context (GRCh38, chr3:169,764,810, plus strand): 5'-GCCCAACTCTTCGCGGTGGCAGTGGGTGCCTCCGGAGAAGCCCCGGGCCGACCGCGGCCT[C>T]CAGGCGGGGTTCGGGGGCTGGGCAGGCGACCCGCCGCAGGTCCCCGGGAGGGGCGAACGG-3'